The following is an entry in ClinVar:

ClinVar aggregate classification (germline): Uncertain significance (1 of 4 stars; one submission).

Conditions:
Charcot-Marie-Tooth disease type 2. Also called: Charcot-Marie-Tooth type 2. Identifiers: Orphanet 64746, MedGen C0270914, MONDO:0018993.

Allele frequency attached by ClinVar (database versions not stated): gnomAD exomes below 0.00001; TOPMed below 0.00001.
gnomAD v4.1: 1 of 1,614,144 alleles (0.000062%); highest among the groups gnomAD compares: African/African-American, 0.0013%; no homozygotes.

Submission:

Labcorp Genetics (formerly Invitae), Labcorp
Classification: Uncertain significance for Charcot-Marie-Tooth disease type 2. Last evaluated: 2025-05-07. Review status: criteria provided, single submitter. Criteria: Invitae Variant Classification Sherloc (09022015). Collection method: clinical testing. Allele origin: germline.
Comment: This sequence change replaces proline, which is neutral and non-polar, with leucine, which is neutral and non-polar, at codon 713 of the AARS protein (p.Pro713Leu). This variant is not present in population databases (gnomAD no frequency). This variant has not been reported in the literature in individuals affected with AARS-related conditions. ClinVar contains an entry for this variant (Variation ID: 2889768). An algorithm developed to predict the effect of missense changes on protein structure and function (PolyPhen-2) suggests that this variant is likely to be disruptive. In summary, the available evidence is currently insufficient to determine the role of this variant in disease. Therefore, it has been classified as a Variant of Uncertain Significance.

NM_001605.3(AARS1):c.2138C>T (p.Pro713Leu)

Gene: AARS1 (alanyl-tRNA synthetase 1; minus strand). Cytogenetic location: 16q22.1.
Variant type: single nucleotide variant.
Coding change: c.2138C>T on transcript NM_001605.3 (MANE Select); coding-DNA position 2138, C replaced by T.
Protein change: p.Pro713Leu; replaces proline 713 with leucine.
Molecular consequence: missense variant.
Genome position (GRCh38, 1-based): chr16:70,258,072, G>A on the plus strand (C>T on the coding strand, the complement: AARS1 is on the minus strand). VCF-style: chr16-70258072-G-A. GRCh37 (hg19) VCF-style: chr16-70291975-G-A.
Other names: short protein forms P713L.
Identifiers: ClinVar variation 2889768 (VCV002889768.3), dbSNP rs1960034160, ClinGen allele CA396557580.
Genomic context (GRCh38, chr16:70,258,072, plus strand): 5'-CTGCCCCTCTGCAGTACTCACGTTCCCCCACAGAACTCAACAGAAGTCAGGGAGCCAGCA[G>A]GCCCAGAGGGGTCATCCAGCAACTCGGACACCGGGACCCCAATGGAGACGACTCGCACAG-3'
Protein context (NP_001596.2, residues 703-723): VSELLDDPSG[Pro713Leu]AGSLTSVEFC